The following is an entry in ClinVar:

ClinVar aggregate classification (germline): Benign/Likely benign. Review status: criteria provided, multiple submitters, no conflicts (2 of 4 stars). 2 submissions from 2 submitters: Benign (1); Likely benign (1). Last evaluated 2025-05-13.

Conditions:
Tuberous sclerosis 2 (TSC2). Identifiers: Orphanet 805, MedGen C1860707, MONDO:0013199, OMIM 613254.

Submissions (2):

Myriad Genetics, Inc.
Classification: Benign for Tuberous sclerosis 2. Last evaluated: 2025-05-13. Review status: criteria provided, single submitter. Criteria: Myriad Autosomal Dominant, Autosomal Recessive and X-Linked Classification Criteria (2023). Collection method: clinical testing. Allele origin: unknown.
Comment: This variant is considered benign. This variant is a silent/synonymous amino acid change and it is not expected to impact splicing.

Labcorp Genetics (formerly Invitae), Labcorp
Classification: Likely benign for Tuberous sclerosis 2. Last evaluated: 2021-12-15. Review status: criteria provided, single submitter. Criteria: Invitae Variant Classification Sherloc (09022015). Collection method: clinical testing. Allele origin: germline.

NM_000548.5(TSC2):c.1180C>T (p.Leu394=)

Gene: TSC2 (TSC complex subunit 2; plus strand). Cytogenetic location: 16p13.3.
Variant type: single nucleotide variant.
Coding change: c.1180C>T on transcript NM_000548.5 (MANE Select); coding-DNA position 1180, C replaced by T.
Protein change: p.Leu394=; no amino-acid change (leucine 394 retained).
Molecular consequence: synonymous variant.
Genome position (GRCh38, 1-based): chr16:2,061,931, C>T. VCF-style: chr16-2061931-C-T. GRCh37 (hg19) VCF-style: chr16-2111932-C-T.
Other names: c.1180C>T, p.Leu394= (NM_001077183.3, NM_001114382.3, NM_001363528.2 and 3 more transcripts); c.1069C>T, p.Leu357= (NM_001318827.2); c.1033C>T, p.Leu345= (NM_001318829.2); c.580C>T, p.Leu194= (NM_001318831.2); c.1213C>T, p.Leu405= (NM_001318832.2).
Identifiers: ClinVar variation 1130927 (VCV001130927.10), dbSNP rs1409309186, ClinGen allele CA492961861.